The following is an entry in ClinVar:

NM_133459.4(CCBE1):c.949A>G (p.Lys317Glu)

Gene: CCBE1 (collagen and calcium binding EGF domains 1; minus strand). Cytogenetic location: 18q21.32.
Variant type: single nucleotide variant.
Coding change: c.949A>G on transcript NM_133459.4 (MANE Select); coding-DNA position 949, A replaced by G.
Protein change: p.Lys317Glu; replaces lysine 317 with glutamic acid.
Molecular consequence: missense variant.
Genome position (GRCh38, 1-based): chr18:59,439,545, T>C on the plus strand (A>G on the coding strand, the complement: CCBE1 is on the minus strand). VCF-style: chr18-59439545-T-C. GRCh37 (hg19) VCF-style: chr18-57106777-T-C.
Other names: short protein forms K317E.
Identifiers: ClinVar variation 1472909 (VCV001472909.6), dbSNP rs2143618046, ClinGen allele CA402594946.

ClinVar aggregate classification (germline): Uncertain significance (1 of 4 stars; one submission).

Allele frequency attached by ClinVar (database versions not stated): gnomAD exomes below 0.00001.
gnomAD v4.1: 1 of 1,614,236 alleles (0.000062%); highest among the groups gnomAD compares: South Asian, 0.0011%; no homozygotes.

Submission:

Labcorp Genetics (formerly Invitae), Labcorp
Classification: Uncertain significance. Last evaluated: 2023-11-28. Review status: criteria provided, single submitter. Criteria: Invitae Variant Classification Sherloc (09022015). Collection method: clinical testing. Allele origin: germline.
Comment: This sequence change replaces lysine, which is basic and polar, with glutamic acid, which is acidic and polar, at codon 317 of the CCBE1 protein (p.Lys317Glu). This variant is not present in population databases (gnomAD no frequency). This variant has not been reported in the literature in individuals affected with CCBE1-related conditions. ClinVar contains an entry for this variant (Variation ID: 1472909). An algorithm developed to predict the effect of missense changes on protein structure and function (PolyPhen-2) suggests that this variant is likely to be disruptive. In summary, the available evidence is currently insufficient to determine the role of this variant in disease. Therefore, it has been classified as a Variant of Uncertain Significance.